The following is an entry in ClinVar:

ClinVar aggregate classification (germline): Uncertain significance (1 of 4 stars; one submission).

gnomAD v4.1: 57 of 1,614,132 alleles (0.0035%); highest among the groups gnomAD compares: African/African-American, 0.048%; no homozygotes.

Submission:

GeneDx
Classification: Uncertain significance. Last evaluated: 2026-04-21. Review status: criteria provided, single submitter. Criteria: GeneDx Variant Classification Process June 2021. Collection method: clinical testing. Allele origin: germline.
Comment: In silico analysis suggests that this missense variant does not alter protein structure/function; Has not been previously published as pathogenic or benign to our knowledge

NM_207361.6(FREM2):c.5870G>A (p.Arg1957Gln)

Gene: FREM2 (FRAS1 related extracellular matrix 2; plus strand). Cytogenetic location: 13q13.3.
Variant type: single nucleotide variant.
Coding change: c.5870G>A on transcript NM_207361.6 (MANE Select); coding-DNA position 5870, G replaced by A.
Protein change: p.Arg1957Gln; replaces arginine 1957 with glutamine.
Molecular consequence: missense variant.
Genome position (GRCh38, 1-based): chr13:38,784,659, G>A. VCF-style: chr13-38784659-G-A. GRCh37 (hg19) VCF-style: chr13-39358796-G-A.
Other names: short protein forms R1957Q.
Identifiers: ClinVar variation 5037682 (VCV005037682.1).